The following is an entry in ClinVar:

NM_002485.5(NBN):c.2120_2128del (p.Asp707_Ile709del)

Gene: NBN (nibrin; minus strand). Cytogenetic location: 8q21.3.
Variant type: Deletion.
Coding change: c.2120_2128del on transcript NM_002485.5 (MANE Select); coding-DNA positions 2120 to 2128, 9 bases deleted (ATCTAATAG; older notation c.2120_2128delATCTAATAG).
Protein change: p.Asp707_Ile709del.
Molecular consequence: inframe deletion.
Genome position (GRCh38, 1-based): chr8:89,943,309-89,943,317, CTATTAGAT deleted on the plus strand (ATCTAATAG on the coding strand, the reverse complement: NBN is on the minus strand); deleting any 9 consecutive bases within chr8:89,943,309-89,943,319 gives the same sequence; the c. name uses the placement nearest the transcript's 3' end. VCF-style (leftmost placement, unchanged base first): chr8-89943308-GCTATTAGAT-G. GRCh37 (hg19) VCF-style: chr8-90955536-GCTATTAGAT-G.
Other names: c.1874_1882del, p.Asp625_Ile627del (NM_001024688.3); c.2120_2128delATCTAATAG (NM_002485.4).
Identifiers: ClinVar variation 567947 (VCV000567947.15), dbSNP rs1563508381, ClinGen allele CA891842835.

ClinVar aggregate classification (germline): Uncertain significance. Review status: criteria provided, multiple submitters, no conflicts (2 of 4 stars). 3 submissions from 3 submitters: Uncertain significance (3). Last evaluated 2021-12-10.

Conditions:
Hereditary cancer-predisposing syndrome. Also called: Neoplastic Syndromes, Hereditary; Tumor predisposition; Hereditary Cancer Syndrome; Hereditary neoplastic syndrome. Identifiers: Orphanet 140162, MedGen C0027672, MeSH D009386, MONDO:0015356.
Microcephaly, normal intelligence and immunodeficiency (NBS). Also called: Nijmegen breakage syndrome; Immunodeficiency, microcephaly with normal intelligence; SEEMANOVA SYNDROME II; Microcephaly with normal intelligence immunodeficiency and lymphoreticular malignancies; Nonsyndromal microcephaly autosomal recessive with normal intelligence; Seemanova syndrome 2. Identifiers: Orphanet 647, MedGen C0398791, MONDO:0009623, OMIM 251260.

Submissions (3):

Ambry Genetics
Classification: Uncertain significance for Hereditary cancer-predisposing syndrome. Last evaluated: 2021-12-10. Review status: criteria provided, single submitter. Criteria: Ambry Variant Classification Scheme 2023. Collection method: clinical testing. Allele origin: germline.
Comment: The c.2120_2128delATCTAATAG variant (also known as p.D707_I709del) is located in coding exon 14 of the NBN gene. This variant results from an in-frame ATCTAATAG deletion at nucleotide positions 2120 to 2128. This results in the deletion of aspartic acid, leucine, and isoleucine between codons 707 and 709. The amino acid positions are well conserved in available vertebrate species. In addition, this alteration is predicted to be deleterious by in silico analysis (Choi Y et al. PLoS ONE. 2012; 7(10):e46688). Since supporting evidence is limited at this time, the clinical significance of this alteration remains unclear.

Genome-Nilou Lab
Classification: Uncertain significance for Microcephaly, normal intelligence and immunodeficiency. Last evaluated: 2021-11-07. Review status: criteria provided, single submitter. Criteria: ACMG Guidelines, 2015. Collection method: clinical testing. Allele origin: germline. Affected: no.

Labcorp Genetics (formerly Invitae), Labcorp
Classification: Uncertain significance for Microcephaly, normal intelligence and immunodeficiency. Last evaluated: 2018-06-07. Review status: criteria provided, single submitter. Criteria: Invitae Variant Classification Sherloc (09022015). Collection method: clinical testing. Allele origin: germline.
Comment: In summary, the available evidence is currently insufficient to determine the role of this variant in disease. Therefore, it has been classified as a Variant of Uncertain Significance. Experimental studies and prediction algorithms are not available for this variant, and the functional significance of the deleted amino acids is currently unknown. This variant has not been reported in the literature in individuals with NBN-related disease. This variant is not present in population databases (ExAC no frequency). This variant, c.2120_2128delATCTAATAG, results in the deletion of 3 amino acids of the NBN protein (p.Asp707_Ile709del), but otherwise preserves the integrity of the reading frame.